The following is an entry in ClinVar:

NM_022095.4(ZNF335):c.329G>T (p.Ser110Ile)

Gene: ZNF335 (zinc finger protein 335; minus strand). Cytogenetic location: 20q13.12.
Variant type: single nucleotide variant.
Coding change: c.329G>T on transcript NM_022095.4 (MANE Select); coding-DNA position 329, G replaced by T.
Protein change: p.Ser110Ile; replaces serine 110 with isoleucine.
Molecular consequence: missense variant.
Genome position (GRCh38, 1-based): chr20:45,969,564, C>A on the plus strand (G>T on the coding strand, the complement: ZNF335 is on the minus strand). VCF-style: chr20-45969564-C-A. GRCh37 (hg19) VCF-style: chr20-44598203-C-A.
Other names: short protein forms S110I.
Identifiers: ClinVar variation 1575803 (VCV001575803.12), dbSNP rs531909331, ClinGen allele CA9886129.
Genomic context (GRCh38, chr20:45,969,564, plus strand): 5'-CCCAGGTCCGAGGAGGAAGCTGTGCAGTCGGACACCAGCATGTTGGGGTCTGGGAGTGCA[C>A]TAGAGTGCACAAGTGCTGGGGGACCGCCTGTCACCCCTGCCACTGGCCCATGAGACACAG-3'
Protein context (NP_071378.1, residues 100-120): TGGPPALVHS[Ser110Ile]ALPDPNMLVS

ClinVar aggregate classification (germline): Benign. Review status: criteria provided, multiple submitters, no conflicts (2 of 4 stars). 3 submissions from 3 submitters: Benign (3). Last evaluated 2026-06-01.

Allele frequency attached by ClinVar (database versions not stated): TOPMed 0.00010; gnomAD exomes 0.00089 and 0.00186; ExAC 0.00203; 1000 Genomes Project 0.00280; 1000 Genomes Project 30x 0.00281.
gnomAD v4.1: 1,364 of 1,602,776 alleles (0.085%); highest among the groups gnomAD compares: South Asian, 1.4%; 15 homozygotes.

Submissions (4):

CeGaT Center for Human Genetics Tuebingen
Classification: Benign. Last evaluated: 2026-06-01. Review status: criteria provided, single submitter. Criteria: CeGaT Center For Human Genetics Tuebingen Variant Classification Criteria Version 2. Collection method: clinical testing. Allele origin: germline. Affected: yes. Observed: 1 variant allele.
Comment: ZNF335: PP3, BS1, BS2

Labcorp Genetics (formerly Invitae), Labcorp
Classification: Benign. Last evaluated: 2025-09-09. Review status: criteria provided, single submitter. Criteria: Invitae Variant Classification Sherloc (09022015). Collection method: clinical testing. Allele origin: germline.

Breakthrough Genomics
Classification: Benign. Review status: criteria provided, single submitter. Criteria: ACMG Guidelines, 2015. Collection method: not provided. Allele origin: germline. Inheritance: Autosomal recessive inheritance. Affected: yes.

Dr. Peter K. Rogan Lab, Western University
No classification provided (evidence only). Condition: Melanoma. Review status: no classification provided. Collection method: in vitro. Allele origin: not applicable. Functional consequence: retained intron. Not counted in ClinVar's aggregate classification.